The following is an entry in ClinVar:

ClinVar aggregate classification (germline): Uncertain significance (1 of 4 stars; one submission).

Conditions:
Granulomatous disease, chronic, autosomal recessive, cytochrome b-positive, type 3. Also called: Granulomatous disease, chronic, autosomal recessive, cytochrome b-positive, type III; GRANULOMATOUS DISEASE, CHRONIC, AUTOSOMAL RECESSIVE, 3; CGD, AUTOSOMAL RECESSIVE CYTOCHROME b-POSITIVE, TYPE III; GRANULOMATOUS DISEASE, CHRONIC, DUE TO NCF4 DEFICIENCY. Identifiers: Orphanet 379, MedGen C3151409, MONDO:0013507, OMIM 613960.

Allele frequency attached by ClinVar (database versions not stated): gnomAD 0.00001; TOPMed 0.00001.
gnomAD v4.1: 23 of 1,566,558 alleles (0.0015%); highest among the groups gnomAD compares: East Asian, 0.0024%; no homozygotes.

Submission:

Labcorp Genetics (formerly Invitae), Labcorp
Classification: Uncertain significance for Granulomatous disease, chronic, autosomal recessive, cytochrome b-positive, type 3. Last evaluated: 2022-08-09. Review status: criteria provided, single submitter. Criteria: Invitae Variant Classification Sherloc (09022015). Collection method: clinical testing. Allele origin: germline.
Comment: This sequence change replaces proline, which is neutral and non-polar, with leucine, which is neutral and non-polar, at codon 173 of the NCF4 protein (p.Pro173Leu). The frequency data for this variant in the population databases is considered unreliable, as metrics indicate poor data quality at this position in the gnomAD database. This variant has not been reported in the literature in individuals affected with NCF4-related conditions. ClinVar contains an entry for this variant (Variation ID: 650303). Algorithms developed to predict the effect of missense changes on protein structure and function are either unavailable or do not agree on the potential impact of this missense change (SIFT: "Deleterious"; PolyPhen-2: "Possibly Damaging"; Align-GVGD: "Class C0"). In summary, the available evidence is currently insufficient to determine the role of this variant in disease. Therefore, it has been classified as a Variant of Uncertain Significance.

NM_000631.5(NCF4):c.518C>T (p.Pro173Leu)

Gene: NCF4 (neutrophil cytosolic factor 4; plus strand). Cytogenetic location: 22q12.3.
Variant type: single nucleotide variant.
Coding change: c.518C>T on transcript NM_000631.5 (MANE Select); coding-DNA position 518, C replaced by T.
Protein change: p.Pro173Leu; replaces proline 173 with leucine.
Molecular consequence: missense variant.
Genome position (GRCh38, 1-based): chr22:36,871,699, C>T. VCF-style: chr22-36871699-C-T. GRCh37 (hg19) VCF-style: chr22-37267741-C-T.
Other names: c.518C>T, p.Pro173Leu (NM_013416.4); short protein forms P173L.
Identifiers: ClinVar variation 650303 (VCV000650303.6), dbSNP rs1315752767, ClinGen allele CA411385163.
Genomic context (GRCh38, chr22:36,871,699, plus strand): 5'-TCTCTCTCCACAGCAAGAGCGTGTCCCCACAGGGCAACAGCGTTGACCGCATGGCAGCTC[C>T]GAGAGCAGAGGTAACCCCCGCCCCCACGCTGGCCAGGCTCTCACACTGTGGGCATCTGCC-3'
Protein context (NP_000622.2, residues 163-183): QGNSVDRMAA[Pro173Leu]RAEALFDFTG